The following is an entry in ClinVar:

NM_000038.6(APC):c.3604_3607del (p.Ser1202fs)

Gene: APC (APC regulator of Wnt signaling pathway; plus strand). Cytogenetic location: 5q22.2.
Variant type: Deletion.
Coding change: c.3604_3607del on transcript NM_000038.6 (MANE Select); coding-DNA positions 3604 to 3607, 4 bases deleted (TCTG; older notation c.3604_3607delTCTG).
Protein change: p.Ser1202fs; shifts the reading frame from serine 1202.
Molecular consequence: frameshift variant.
Genome position (GRCh38, 1-based): chr5:112,839,198-112,839,201, TCTG deleted. VCF-style (leftmost placement, unchanged base first): chr5-112839197-ATCTG-A. GRCh37 (hg19) VCF-style: chr5-112174894-ATCTG-A.
Other names: c.3604_3607del, p.Ser1202fs (NM_001127510.3, NM_001354895.2); c.3550_3553del, p.Ser1184fs (NM_001127511.3); c.3658_3661del, p.Ser1220fs (NM_001354896.2); c.3634_3637del, p.Ser1212fs (NM_001354897.2); c.3529_3532del, p.Ser1177fs (NM_001354898.2); c.3520_3523del, p.Ser1174fs (NM_001354899.2); c.3481_3484del, p.Ser1161fs (NM_001354900.2); c.3427_3430del, p.Ser1143fs (NM_001354901.2); and 5 more; short protein forms S1101fs, S1212fs, S1220fs, S1177fs, S919fs, S1202fs, S1042fs, S1076fs.
Identifiers: ClinVar variation 537567 (VCV000537567.10), dbSNP rs1408646734, ClinGen allele CA658796581.

ClinVar aggregate classification (germline): Pathogenic (1 of 4 stars; one submission).

Conditions:
Familial adenomatous polyposis 1 (FAP1). Also called: FAMILIAL ADENOMATOUS POLYPOSIS 1, ATTENUATED; POLYPOSIS, ADENOMATOUS INTESTINAL. Identifiers: MedGen C2713442, MONDO:0021056, OMIM 175100. Disease mechanism: loss of function.

Allele frequency attached by ClinVar (database versions not stated): TOPMed below 0.00001.

Submission:

Labcorp Genetics (formerly Invitae), Labcorp
Classification: Pathogenic for Familial adenomatous polyposis 1. Last evaluated: 2017-11-11. Review status: criteria provided, single submitter. Criteria: Invitae Variant Classification Sherloc (09022015). Collection method: clinical testing. Allele origin: germline.
Comment: This variant is not present in population databases (ExAC no frequency). This variant has not been reported in the literature in individuals with APC-related disease. For these reasons, this variant has been classified as Pathogenic. A different truncation (p.Asn1979Thrfs*64) that lies downstream of this variant has been determined to be pathogenic (PMID: 9824584, 20434453, 26681312). This suggests that deletion of this region of the APC protein is causative of disease. This sequence change results in a premature translational stop signal in the APC gene (p.Ser1202Aspfs*62). While this is not anticipated to result in nonsense mediated decay, it is expected to disrupt the last 1642 amino acids of the APC protein.

Literature cited by the submitters: PubMed 9824584; PubMed 20434453; PubMed 26681312.